The following is an entry in ClinVar:

ClinVar aggregate classification (germline): Uncertain significance (1 of 4 stars; one submission).

Conditions:
Mitochondrial DNA depletion syndrome 13. Also called: FBXL4-Related Encephalomyopathic Mitochondrial DNA Depletion Syndrome; Mitochondrial DNA depletion syndrome 13 (encephalomyopathic type). Identifiers: Orphanet 369897, MedGen C3809592, MONDO:0014198, OMIM 615471.

Allele frequency attached by ClinVar (database versions not stated): gnomAD exomes below 0.00001; TOPMed below 0.00001; ExAC 0.00001; ESP Exome Variant Server 0.00008.
gnomAD v4.1: 5 of 1,613,946 alleles (0.00031%); highest among the groups gnomAD compares: African/African-American, 0.0013%; no homozygotes.

Submission:

Wong Mito Lab, Molecular and Human Genetics, Baylor College of Medicine
Classification: Uncertain significance for Mitochondrial DNA depletion syndrome 13. Last evaluated: 2017-08-10. Review status: criteria provided, single submitter. Criteria: ACMG Guidelines, 2015. Collection method: reference population. Allele origin: germline.
Comment: The NM_012160.4:c.1070A>G (NP_036292.2:p.Asn357Ser) [GRCH38: NC_000006.12:g.98905459T>C] variant in FBXL4 gene is interpretated to be a Uncertain Significance - Insufficient Evidence based on ACMG guidelines (PMID: 25741868). This variant meets one or more of the following evidence codes reported in the ACMG-guideline. PM2:This variant is absent in key population databases. Based on this evidence code ClinGen Pathogenicity Calculator (PMID:28081714) suggested that the variant is Uncertain Significance - Insufficient Evidence.

NM_001278716.2(FBXL4):c.1070A>G (p.Asn357Ser)

Gene: FBXL4 (F-box and leucine rich repeat protein 4; minus strand). Cytogenetic location: 6q16.2.
Variant type: single nucleotide variant.
Coding change: c.1070A>G on transcript NM_001278716.2 (MANE Select); coding-DNA position 1070, A replaced by G.
Protein change: p.Asn357Ser; replaces asparagine 357 with serine.
Molecular consequence: missense variant. On other transcripts: non-coding transcript variant (2).
Genome position (GRCh38, 1-based): chr6:98,905,459, T>C on the plus strand (A>G on the coding strand, the complement: FBXL4 is on the minus strand). VCF-style: chr6-98905459-T-C. GRCh37 (hg19) VCF-style: chr6-99353335-T-C.
Other names: c.1070A>G, p.Asn357Ser (NM_012160.5); short protein forms N357S.
Identifiers: ClinVar variation 437682 (VCV000437682.1), dbSNP rs150436385, ClinGen allele CA3933555.